The following is an entry in ClinVar:

NM_000368.5(TSC1):c.3249T>C (p.Ser1083=)

Gene: TSC1 (TSC complex subunit 1; minus strand). Cytogenetic location: 9q34.13.
Variant type: single nucleotide variant.
Coding change: c.3249T>C on transcript NM_000368.5 (MANE Select); coding-DNA position 3249, T replaced by C.
Protein change: p.Ser1083=; no amino-acid change (serine 1083 retained).
Molecular consequence: synonymous variant.
Genome position (GRCh38, 1-based): chr9:132,896,481, A>G on the plus strand (T>C on the coding strand, the complement: TSC1 is on the minus strand). VCF-style: chr9-132896481-A-G. GRCh37 (hg19) VCF-style: chr9-135771868-A-G.
Other names: c.3246T>C, p.Ser1082= (NM_001162426.2); c.3096T>C, p.Ser1032= (NM_001162427.2); c.2886T>C, p.Ser962= (NM_001362177.2).
Identifiers: ClinVar variation 675610 (VCV000675610.18), dbSNP rs761673589, ClinGen allele CA036223.

ClinVar aggregate classification (germline): Benign/Likely benign. Review status: criteria provided, multiple submitters, no conflicts (2 of 4 stars). 6 submissions from 6 submitters: Benign (2); Likely benign (4). Last evaluated 2025-08-07.

Conditions:
Hereditary cancer-predisposing syndrome. Also called: Neoplastic Syndromes, Hereditary; Tumor predisposition; Hereditary neoplastic syndrome; Hereditary Cancer Syndrome. Identifiers: Orphanet 140162, MedGen C0027672, MeSH D009386, MONDO:0015356.
Tuberous sclerosis 1 (TSC1). Identifiers: Orphanet 805, MedGen C1854465, MONDO:0008612, OMIM 191100.
Tuberous sclerosis syndrome (TSC). Also called: Tuberous sclerosis; Tuberous Sclerosis Complex. Identifiers: Orphanet 805, MedGen C0041341, MONDO:0001734.

Allele frequency attached by ClinVar (database versions not stated): TOPMed below 0.00001; gnomAD exomes 0.00002 and 0.00003; ExAC 0.00006.
gnomAD v4.1: 27 of 1,614,202 alleles (0.0017%); highest among the groups gnomAD compares: South Asian, 0.029%; no homozygotes.

Submissions (6):

Labcorp Genetics (formerly Invitae), Labcorp
Classification: Likely benign for Tuberous sclerosis 1. Last evaluated: 2025-08-07. Review status: criteria provided, single submitter. Criteria: Invitae Variant Classification Sherloc (09022015). Collection method: clinical testing. Allele origin: germline.

Color Diagnostics, LLC DBA Color Health
Classification: Likely benign for Tuberous sclerosis syndrome. Last evaluated: 2025-07-08. Review status: criteria provided, single submitter. Criteria: ACMG Guidelines, 2015. Collection method: clinical testing. Allele origin: germline.

Myriad Genetics, Inc.
Classification: Benign for Tuberous sclerosis 1. Last evaluated: 2025-04-30. Review status: criteria provided, single submitter. Criteria: Myriad Autosomal Dominant, Autosomal Recessive and X-Linked Classification Criteria (2023). Collection method: clinical testing. Allele origin: unknown.
Comment: This variant is considered benign. This variant is a silent/synonymous amino acid change and it is not expected to impact splicing.

Genome-Nilou Lab
Classification: Benign for Tuberous sclerosis 1. Last evaluated: 2021-11-07. Review status: criteria provided, single submitter. Criteria: ACMG Guidelines, 2015. Collection method: clinical testing. Allele origin: germline. Affected: no.

GeneDx
Classification: Likely benign. Last evaluated: 2018-04-26. Review status: criteria provided, single submitter. Criteria: GeneDx Variant Classification (06012015). Collection method: clinical testing. Allele origin: germline. Affected: yes.
Comment: This variant is considered likely benign or benign based on one or more of the following criteria: it is a conservative change, it occurs at a poorly conserved position in the protein, it is predicted to be benign by multiple in silico algorithms, and/or has population frequency not consistent with disease.

Ambry Genetics
Classification: Likely benign for Hereditary cancer-predisposing syndrome. Last evaluated: 2017-06-20. Review status: criteria provided, single submitter. Criteria: Ambry Variant Classification Scheme 2023. Collection method: clinical testing. Allele origin: germline.